The following is an entry in ClinVar:

NM_020919.4(ALS2):c.470G>A (p.Cys157Tyr)

Gene: ALS2 (alsin Rho guanine nucleotide exchange factor ALS2; minus strand). Cytogenetic location: 2q33.1.
Variant type: single nucleotide variant.
Coding change: c.470G>A on transcript NM_020919.4 (MANE Select); coding-DNA position 470, G replaced by A.
Protein change: p.Cys157Tyr; replaces cysteine 157 with tyrosine.
Molecular consequence: missense variant.
Genome position (GRCh38, 1-based): chr2:201,761,524, C>T on the plus strand (G>A on the coding strand, the complement: ALS2 is on the minus strand). VCF-style: chr2-201761524-C-T. GRCh37 (hg19) VCF-style: chr2-202626247-C-T.
Other names: C156Y; NM_020919.4(ALS2):c.470G>A; p.Cys157Tyr; c.470G>A; c.470G>A, p.Cys157Tyr (NM_001135745.2); short protein forms C157Y.
Identifiers: ClinVar variation 4415 (VCV000004415.48), dbSNP rs121908138, ClinGen allele CA340251.
Genomic context (GRCh38, chr2:201,761,524, plus strand): 5'-CCGGTACCCCATGCCCAAATCTCTCTGCTTATTGACAATGCCAGAGTGTGCTCCTCGCCA[C>T]ACGCCAACTGTAAAATCCTGACTGCTAACAAAGGGCTGGCCTCAGAATCAGCAATGCTGA-3'
Protein context (NP_065970.2, residues 147-167): LLAVRILQLA[Cys157Tyr]GEEHTLALSI

ClinVar aggregate classification (germline): Likely pathogenic. Review status: criteria provided, multiple submitters, no conflicts (2 of 4 stars). 5 submissions from 5 submitters: Likely pathogenic (3). 2 of the submissions do not count toward it. Last evaluated 2024-01-01.

Conditions:
Infantile-onset ascending hereditary spastic paralysis (IAHSP). Also called: Infantile-Onset Ascending Hereditary Spastic Paralysis (IAHSP); Autosomal Recessive Juvenile Amyotrophic Lateral Sclerosis. Identifiers: Orphanet 293168, MedGen C2931441, MONDO:0011797, OMIM 607225. Disease mechanism: loss of function.

Submissions (5):

CeGaT Center for Human Genetics Tuebingen
Classification: Likely pathogenic. Last evaluated: 2024-01-01. Review status: criteria provided, single submitter. Criteria: CeGaT Center For Human Genetics Tuebingen Variant Classification Criteria Version 2. Collection method: clinical testing. Allele origin: germline. Affected: yes. Observed: 2 variant alleles.
Comment: ALS2: PM2, PM3, PM5, PP3, PS3:Supporting

Broad Center for Mendelian Genomics, Broad Institute of MIT and Harvard
Classification: Likely pathogenic for Infantile-onset ascending hereditary spastic paralysis. Last evaluated: 2022-05-04. Review status: criteria provided, single submitter. Criteria: ACMG Guidelines, 2015. Collection method: curation. Allele origin: germline. Inheritance: Autosomal recessive inheritance.
Comment: The homozygous p.Cys157Tyr variant in ALS2 was identified by our study in 2 siblings with infantile-onset ascending hereditary spastic paralysis. The variant has been reported in three Turkish individuals with infantile-onset ascending hereditary spastic paralysis (PMID: 16718699, 33155358), segregated with disease in 2 affected relatives from 2 families (PMID: 16718699, unpublished data), and was absent from large population studies. This variant has also been reported in ClinVar (Variation ID: 4415) and has been interpreted as pathogenic by OMIM, GeneReviews, and CeGaT Praxis fuer Humangenetik Tuebingen, and as likely pathogenic by Cirak Lab, University Hospital Cologne. In vitro functional studies provide some evidence that the p.Cys157Tyr variant may impact protein function (PMID: 30224357, 21300063, 16718699). However, these types of assays may not accurately represent biological function. Computational prediction tools and conservation analyses suggest that this variant may impact the protein, though this information is not predictive enough to determine pathogenicity. The presence of this variant in 3 affected homozygotes, and in 3 individuals with infantile-onset ascending hereditary spastic paralysis increases the likelihood that the p.Cys157Tyr variant is pathogenic (PMID: 16718699). In summary, although additional studies are required to fully establish its clinical significance, this variant is likely pathogenic. ACMG/AMP Criteria applied: PM2, PS3_moderate, PP3, PM3, PP1 (Richards 2015).

Cirak Lab, University Hospital Cologne
Classification: Likely pathogenic for Infantile-onset ascending hereditary spastic paralysis. Last evaluated: 2019-10-30. Review status: criteria provided, single submitter. Criteria: ACMG Guidelines, 2015. Collection method: research. Allele origin: inherited. Affected: yes.

GeneReviews
Classification: Pathogenic for ALS2-Related Disorders. Last evaluated: 2011-02-10. Review status: no assertion criteria provided. Collection method: curation. Allele origin: unknown. Not counted in ClinVar's aggregate classification.
ClinVar note: Converted during submission from pathologic to Pathogenic.

OMIM
Classification: Pathogenic for SPASTIC PARALYSIS, INFANTILE-ONSET ASCENDING. Last evaluated: 2006-06-01. Review status: no assertion criteria provided. Collection method: literature only. Allele origin: germline. Not counted in ClinVar's aggregate classification.

Literature cited by the submitters: PubMed 16718699 (cited by Broad Center for Mendelian Genomics, Broad Institute of MIT and Harvard and OMIM).